The following is an entry in ClinVar:

NM_015910.7(WDPCP):c.5G>A (p.Arg2Lys)

Gene: WDPCP (WD repeat containing planar cell polarity effector; minus strand). Cytogenetic location: 2p15.
Variant type: single nucleotide variant.
Coding change: c.5G>A on transcript NM_015910.7 (MANE Select); coding-DNA position 5, G replaced by A.
Protein change: p.Arg2Lys; replaces arginine 2 with lysine.
Molecular consequence: missense variant. On other transcripts: 5 prime UTR variant (1), non-coding transcript variant (2).
Genome position (GRCh38, 1-based): chr2:63,588,267, C>T on the plus strand (G>A on the coding strand, the complement: WDPCP is on the minus strand). VCF-style: chr2-63588267-C-T. GRCh37 (hg19) VCF-style: chr2-63815401-C-T.
Other names: c.-320G>A (NM_001354044.2); c.5G>A, p.Arg2Lys (NM_001354045.2); c.5G>A (NM_015910.5); short protein forms R2K.
Identifiers: ClinVar variation 1902551 (VCV001902551.4), dbSNP rs201510161, ClinGen allele CA49253732.

ClinVar aggregate classification (germline): Uncertain significance. Review status: criteria provided, multiple submitters, no conflicts (2 of 4 stars). 2 submissions from 2 submitters: Uncertain significance (2). Last evaluated 2025-03-15.

Conditions:
Bardet-Biedl syndrome (BBS). Identifiers: Orphanet 110, MedGen C0752166, MONDO:0015229.
Inborn genetic diseases. Identifiers: MedGen C0950123, MeSH D030342.

Allele frequency attached by ClinVar (database versions not stated): gnomAD exomes below 0.00001; TOPMed below 0.00001.
gnomAD v4.1: 3 of 1,574,186 alleles (0.00019%); highest among the groups gnomAD compares: Non-Finnish European, 0.00026%; no homozygotes.

Submissions (2):

Ambry Genetics
Classification: Uncertain significance for Inborn genetic diseases. Last evaluated: 2025-03-15. Review status: criteria provided, single submitter. Criteria: Ambry Variant Classification Scheme 2023. Collection method: clinical testing. Allele origin: germline.

Labcorp Genetics (formerly Invitae), Labcorp
Classification: Uncertain significance for Bardet-Biedl syndrome. Last evaluated: 2022-05-18. Review status: criteria provided, single submitter. Criteria: Invitae Variant Classification Sherloc (09022015). Collection method: clinical testing. Allele origin: germline.
Comment: This sequence change replaces arginine, which is basic and polar, with lysine, which is basic and polar, at codon 2 of the WDPCP protein (p.Arg2Lys). The frequency data for this variant in the population databases is considered unreliable, as metrics indicate poor data quality at this position in the gnomAD database. This variant has not been reported in the literature in individuals affected with WDPCP-related conditions. Algorithms developed to predict the effect of missense changes on protein structure and function output the following: SIFT: "Deleterious"; PolyPhen-2: "Benign"; Align-GVGD: "Class C0". The lysine amino acid residue is found in multiple mammalian species, which suggests that this missense change does not adversely affect protein function. In summary, the available evidence is currently insufficient to determine the role of this variant in disease. Therefore, it has been classified as a Variant of Uncertain Significance.